The following is an entry in ClinVar:

ClinVar aggregate classification (germline): Pathogenic (1 of 4 stars; one submission).

Conditions:
Anterior segment dysgenesis 7 (ASGD7). Also called: Anterior segment dysgenesis 7, with sclerocornea; SCLEROCORNEA WITH OTHER OCULAR ANOMALIES. Identifiers: Orphanet 289499, MedGen C3151617, MONDO:0010015, OMIM 269400.

Submission:

Labcorp Genetics (formerly Invitae), Labcorp
Classification: Pathogenic for Anterior segment dysgenesis 7. Last evaluated: 2020-09-09. Review status: criteria provided, single submitter. Criteria: Invitae Variant Classification Sherloc (09022015). Collection method: clinical testing. Allele origin: germline.
Comment: For these reasons, this variant has been classified as Pathogenic. Loss-of-function variants in PXDN are known to be pathogenic (PMID: 21907015, 24939590). This variant has not been reported in the literature in individuals with PXDN-related conditions. This variant is not present in population databases (ExAC no frequency). This sequence change creates a premature translational stop signal (p.His784Thrfs*19) in the PXDN gene. It is expected to result in an absent or disrupted protein product.

Literature cited by the submitters: PubMed 21907015; PubMed 24939590.

NM_012293.3(PXDN):c.2350del (p.His784fs)

Gene: PXDN (peroxidasin; minus strand). Cytogenetic location: 2p25.3.
Variant type: Deletion.
Coding change: c.2350del on transcript NM_012293.3 (MANE Select); coding-DNA position 2350, one base deleted (C; older notation c.2350delC).
Protein change: p.His784fs; shifts the reading frame from histidine 784.
Molecular consequence: frameshift variant.
Genome position (GRCh38, 1-based): chr2:1,649,430, G deleted on the plus strand (C on the coding strand, the reverse complement: PXDN is on the minus strand); the first of 5 consecutive G bases (chr2:1,649,430-1,649,434); deleting any one gives the same sequence. VCF-style (leftmost placement, unchanged base first): chr2-1649429-TG-T. GRCh37 (hg19) VCF-style: chr2-1653201-TG-T.
Other names: short protein forms H784fs.
Identifiers: ClinVar variation 1074765 (VCV001074765.7), dbSNP rs2125412042, ClinGen allele CA2499215143.